The following is an entry in ClinVar:

NM_000360.4(TH):c.652C>T (p.Pro218Ser)

Gene: TH (tyrosine hydroxylase; minus strand). Cytogenetic location: 11p15.5.
Variant type: single nucleotide variant.
Coding change: c.652C>T on transcript NM_000360.4 (MANE Select); coding-DNA position 652, C replaced by T.
Protein change: p.Pro218Ser; replaces proline 218 with serine.
Molecular consequence: missense variant.
Genome position (GRCh38, 1-based): chr11:2,167,478, G>A on the plus strand (C>T on the coding strand, the complement: TH is on the minus strand). VCF-style: chr11-2167478-G-A. GRCh37 (hg19) VCF-style: chr11-2188708-G-A.
Other names: c.745C>T, p.Pro249Ser (NM_199292.3); c.733C>T, p.Pro245Ser (NM_199293.3); short protein forms P245S, P218S, P249S.
Identifiers: ClinVar variation 2127479 (VCV002127479.4), dbSNP rs2495812183, ClinGen allele CA379127500.

ClinVar aggregate classification (germline): Uncertain significance (1 of 4 stars; one submission).

Conditions:
TH-deficient dopa-responsive dystonia. Also called: Tyrosine Hydroxylase-Deficient Dopa-Responsive Dystonia; Segawa syndrome, autosomal recessive; DYT-TH. Identifiers: Orphanet 101150, MedGen C2673535, MONDO:0011551, OMIM 605407.

Submission:

Labcorp Genetics (formerly Invitae), Labcorp
Classification: Uncertain significance for TH-deficient dopa-responsive dystonia. Last evaluated: 2025-03-17. Review status: criteria provided, single submitter. Criteria: Invitae Variant Classification Sherloc (09022015). Collection method: clinical testing. Allele origin: germline.
Comment: This sequence change replaces proline, which is neutral and non-polar, with serine, which is neutral and polar, at codon 249 of the TH protein (p.Pro249Ser). This variant is not present in population databases (gnomAD no frequency). This variant has not been reported in the literature in individuals affected with TH-related conditions. ClinVar contains an entry for this variant (Variation ID: 2127479). Invitae Evidence Modeling of protein sequence and biophysical properties (such as structural, functional, and spatial information, amino acid conservation, physicochemical variation, residue mobility, and thermodynamic stability) has been performed for this missense variant. However, the output from this modeling did not meet the statistical confidence thresholds required to predict the impact of this variant on TH protein function. In summary, the available evidence is currently insufficient to determine the role of this variant in disease. Therefore, it has been classified as a Variant of Uncertain Significance.